The following is an entry in ClinVar:

ClinVar aggregate classification (germline): Conflicting classifications of pathogenicity. Review status: criteria provided, conflicting classifications (1 of 4 stars). 4 submissions from 4 submitters: Uncertain significance (3); Likely benign (1). Last evaluated 2023-08-07.

Conditions:
Dilated cardiomyopathy 1G (CMD1G). Identifiers: Orphanet 154, MedGen C1858763, MONDO:0011400, OMIM 604145.
Autosomal recessive limb-girdle muscular dystrophy type 2J (LGMDR10). Also called: MUSCULAR DYSTROPHY, LIMB-GIRDLE, AUTOSOMAL RECESSIVE 10; Limb-girdle muscular dystrophy, type 2J. Identifiers: Orphanet 140922, MedGen C1837342, MONDO:0012127, OMIM 608807.
Cardiomyopathy (CMYO). Also called: Cardiomyopathies. Identifiers: Orphanet 167848, MedGen C0878544, MONDO:0004994, HP:0001638. Inheritance: Various modes of inheritance.

Allele frequency attached by ClinVar (database versions not stated): gnomAD exomes 0.00001 and 0.00002; ExAC 0.00002; TOPMed 0.00002; gnomAD 0.00003.
gnomAD v4.1: 23 of 1,613,860 alleles (0.0014%); highest among the groups gnomAD compares: Non-Finnish European, 0.0019%; no homozygotes.

Submissions (4):

Revvity Omics, Revvity
Classification: Uncertain significance. Last evaluated: 2023-08-07. Review status: criteria provided, single submitter. Criteria: ACMG Guidelines, 2015. Collection method: clinical testing. Allele origin: germline.

CHEO Genetics Diagnostic Laboratory, Children's Hospital of Eastern Ontario
Classification: Likely benign for Cardiomyopathy. Last evaluated: 2023-05-16. Review status: criteria provided, single submitter. Criteria: ACMG Guidelines, 2015. Collection method: clinical testing. Allele origin: germline.

GeneDx
Classification: Uncertain significance. Last evaluated: 2016-11-14. Review status: criteria provided, single submitter. Criteria: GeneDx Variant Classification (06012015). Collection method: clinical testing. Allele origin: germline. Affected: yes.
Comment: Missense variants in the TTN gene are considered 'unclassified' if they are not previously reported in the literature and do not have >1% frequency in the population to be considered a polymorphism. Research indicates that truncating mutations in the TTN gene are expected to account for approximately 25% of familial and 18% of sporadic idiopathic DCM; however, truncating variants in the TTN gene have been reported in approximately 3% of reported control alleles. There has been little investigation into non-truncating variants. (Herman D et al. Truncations of titin causing dilated cardiomyopathy. N Eng J Med 366:619-628, 2012) The variant is found in DCM,CARDIOMYOPATHY panel(s).

Labcorp Genetics (formerly Invitae), Labcorp
Classification: Uncertain significance for Dilated cardiomyopathy 1G; Autosomal recessive limb-girdle muscular dystrophy type 2J. Last evaluated: 2016-04-21. Review status: criteria provided, single submitter. Criteria: Invitae Variant Classification Sherloc (09022015). Collection method: clinical testing. Allele origin: germline.

NM_001267550.2(TTN):c.103679A>G (p.Lys34560Arg)

Genes: TTN (titin; minus strand), TTN-AS1 (TTN antisense RNA 1; plus strand). Cytogenetic location: 2q31.2.
Variant type: single nucleotide variant.
Coding change: c.103679A>G on transcript NM_001267550.2 (MANE Select); coding-DNA position 103679, A replaced by G.
Protein change: p.Lys34560Arg; replaces lysine 34560 with arginine.
Molecular consequence: missense variant.
Genome position (GRCh38, 1-based): chr2:178,532,936, T>C on the plus strand (A>G on the coding strand, the complement: TTN is on the minus strand). VCF-style: chr2-178532936-T-C. GRCh37 (hg19) VCF-style: chr2-179397663-T-C.
Other names: p.K32919R:AAG>AGG; c.98756A>G, p.Lys32919Arg (NM_001256850.1); c.76484A>G, p.Lys25495Arg (NM_003319.4); c.95975A>G, p.Lys31992Arg (NM_133378.4); c.76859A>G, p.Lys25620Arg (NM_133432.3); c.77060A>G, p.Lys25687Arg (NM_133437.4); short protein forms K32919R, K34560R, K25495R, K31992R, K25620R, K25687R.
Identifiers: ClinVar variation 203073 (VCV000203073.6), dbSNP rs544590023, ClinGen allele CA311157.